The following is an entry in ClinVar:

NM_001567.4(INPPL1):c.3571G>A (p.Gly1191Arg)

Gene: INPPL1 (inositol polyphosphate phosphatase like 1; plus strand). Cytogenetic location: 11q13.4.
Variant type: single nucleotide variant.
Coding change: c.3571G>A on transcript NM_001567.4 (MANE Select); coding-DNA position 3571, G replaced by A.
Protein change: p.Gly1191Arg; replaces glycine 1191 with arginine.
Molecular consequence: missense variant. On other transcripts: intron variant (1).
Genome position (GRCh38, 1-based): chr11:72,238,060, G>A. VCF-style: chr11-72238060-G-A. GRCh37 (hg19) VCF-style: chr11-71949104-G-A.
Other names: c.3637G>A, p.Gly1213Arg (NM_001440434.1); c.3571G>A, p.Gly1191Arg (NM_001440435.1, NM_001440436.1); c.3430G>A, p.Gly1144Arg (NM_001440437.1); c.3553-203G>A (NM_001440438.1); short protein forms G1144R, G1191R, G1213R.
Identifiers: ClinVar variation 4978843 (VCV004978843.1).

ClinVar aggregate classification (germline): Uncertain significance (1 of 4 stars; one submission).

Conditions:
INPPL1-related disorder. Also called: INPPL1-related condition.

gnomAD v4.1: 7 of 1,562,534 alleles (0.00045%); highest among the groups gnomAD compares: Admixed American, 0.0038%; no homozygotes.

Submission:

PreventionGenetics, part of Exact Sciences
Classification: Uncertain significance for INPPL1-related condition. Last evaluated: 2026-05-19. Review status: criteria provided, single submitter. Criteria: ACMG Guidelines, 2015. Collection method: clinical testing. Allele origin: germline.
Comment: The INPPL1 c.3571G>A variant is predicted to result in the amino acid substitution p.Gly1191Arg. To our knowledge, this variant has not been reported in the literature. This variant is reported in 0.0046% of alleles in individuals of South Asian descent in gnomAD. At this time, the clinical significance of this variant is uncertain due to the absence of conclusive functional and genetic evidence.